The following is an entry in ClinVar:

NM_017636.4(TRPM4):c.3561del (p.Trp1188fs)

Gene: TRPM4 (transient receptor potential cation channel subfamily M member 4; plus strand). Cytogenetic location: 19q13.33.
Variant type: Deletion.
Coding change: c.3561del on transcript NM_017636.4 (MANE Select); coding-DNA position 3561, one base deleted (G; older notation c.3561delG).
Protein change: p.Trp1188fs; shifts the reading frame from tryptophan 1188.
Molecular consequence: frameshift variant.
Genome position (GRCh38, 1-based): chr19:49,211,190, G deleted; the last of 4 consecutive G bases (chr19:49,211,187-49,211,190); deleting any one gives the same sequence. VCF-style (leftmost placement, unchanged base first): chr19-49211186-TG-T. GRCh37 (hg19) VCF-style: chr19-49714443-TG-T.
Other names: c.3126del, p.Trp1043fs (NM_001195227.2); c.3216del, p.Trp1073fs (NM_001321281.2); c.1953del, p.Trp652fs (NM_001321282.2); c.3039del, p.Trp1014fs (NM_001321283.2); c.2499del, p.Trp834fs (NM_001321285.2); c.3561delG (NM_017636.3); short protein forms W1014fs, W834fs, W1043fs, W652fs, W1073fs, W1188fs.
Identifiers: ClinVar variation 524058 (VCV000524058.8), dbSNP rs759475470, ClinGen allele CA9569973.

ClinVar aggregate classification (germline): Uncertain significance. Review status: criteria provided, multiple submitters, no conflicts (2 of 4 stars). 2 submissions from 2 submitters: Uncertain significance (2). Last evaluated 2020-01-29.

Conditions:
Progressive familial heart block type IB (PFHB1B). Identifiers: Orphanet 871, MedGen C1970298, MONDO:0011474, OMIM 604559.

Submissions (2):

GeneDx
Classification: Uncertain significance. Last evaluated: 2020-01-29. Review status: criteria provided, single submitter. Criteria: GeneDx Variant Classification Process June 2021. Collection method: clinical testing. Allele origin: germline. Affected: yes.
Comment: Not observed at a significant frequency in large population cohorts (Lek et al., 2016); Frameshift variant predicted to result in protein truncation or nonsense mediated decay in a gene for which loss-of-function is not a known mechanism of disease; Has not been previously published as pathogenic or benign to our knowledge

Labcorp Genetics (formerly Invitae), Labcorp
Classification: Uncertain significance for Progressive familial heart block type IB. Last evaluated: 2017-12-22. Review status: criteria provided, single submitter. Criteria: Invitae Variant Classification Sherloc (09022015). Collection method: clinical testing. Allele origin: germline.
Comment: This sequence change creates a premature translational stop signal (p.Trp1188Glyfs*6) in the TRPM4 gene. It is expected to result in an absent or disrupted protein product. This variant has not been reported in the literature in individuals with TRPM4-related disease. This variant is present in population databases (rs759475470, ExAC 0.002%). In summary, the available evidence is currently insufficient to determine the role of this variant in disease. Therefore, it has been classified as a Variant of Uncertain Significance. The current clinical and genetic evidence is not sufficient to establish whether loss-of-function variants in TRPM4 cause disease.